The following is an entry in ClinVar:

ClinVar aggregate classification (germline): Uncertain significance (1 of 4 stars; one submission).

Conditions:
Inborn genetic diseases. Identifiers: MedGen C0950123, MeSH D030342.

Submission:

Ambry Genetics
Classification: Uncertain significance for Inborn genetic diseases. Last evaluated: 2025-03-10. Review status: criteria provided, single submitter. Criteria: Ambry Variant Classification Scheme 2023. Collection method: clinical testing. Allele origin: germline.
Comment: The p.W98L variant (also known as c.293G>T), located in coding exon 2 of the HAX1 gene, results from a G to T substitution at nucleotide position 293. The tryptophan at codon 98 is replaced by leucine, an amino acid with similar properties. This amino acid position is conserved. In addition, the in silico prediction for this alteration is inconclusive. Based on the available evidence, the clinical significance of this variant remains unclear.

NM_006118.4(HAX1):c.293G>T (p.Trp98Leu)

Gene: HAX1 (HCLS1 associated protein X-1; plus strand). Cytogenetic location: 1q21.3.
Variant type: single nucleotide variant.
Coding change: c.293G>T on transcript NM_006118.4 (MANE Select); coding-DNA position 293, G replaced by T.
Protein change: p.Trp98Leu; replaces tryptophan 98 with leucine.
Molecular consequence: missense variant.
Genome position (GRCh38, 1-based): chr1:154,273,575, G>T. VCF-style: chr1-154273575-G-T. GRCh37 (hg19) VCF-style: chr1-154246051-G-T.
Other names: c.149G>T, p.Trp50Leu (NM_001018837.2); short protein forms W98L, W50L.
Identifiers: ClinVar variation 3856907 (VCV003856907.1).